The following is an entry in ClinVar:

ClinVar aggregate classification (germline): Uncertain significance (1 of 4 stars; one submission).

Conditions:
Hereditary cancer-predisposing syndrome. Also called: Tumor predisposition; Neoplastic Syndromes, Hereditary; Hereditary neoplastic syndrome; Hereditary Cancer Syndrome. Identifiers: Orphanet 140162, MedGen C0027672, MeSH D009386, MONDO:0015356.

Submission:

Ambry Genetics
Classification: Uncertain significance for Hereditary cancer-predisposing syndrome. Last evaluated: 2024-07-30. Review status: criteria provided, single submitter. Criteria: Ambry Variant Classification Scheme 2023. Collection method: clinical testing. Allele origin: germline.
Comment: The p.M1090I variant (also known as c.3270G>A), located in coding exon 21 of the TSC1 gene, results from a G to A substitution at nucleotide position 3270. The methionine at codon 1090 is replaced by isoleucine, an amino acid with highly similar properties. This amino acid position is well conserved in available vertebrate species. In addition, this alteration is predicted to be tolerated by in silico analysis. Based on the available evidence, the clinical significance of this variant remains unclear.

NM_000368.5(TSC1):c.3270G>A (p.Met1090Ile)

Gene: TSC1 (TSC complex subunit 1; minus strand). Cytogenetic location: 9q34.13.
Variant type: single nucleotide variant.
Coding change: c.3270G>A on transcript NM_000368.5 (MANE Select); coding-DNA position 3270, G replaced by A.
Protein change: p.Met1090Ile; replaces methionine 1090 with isoleucine.
Molecular consequence: missense variant. On other transcripts: non-coding transcript variant (5).
Genome position (GRCh38, 1-based): chr9:132,896,460, C>T on the plus strand (G>A on the coding strand, the complement: TSC1 is on the minus strand). VCF-style: chr9-132896460-C-T. GRCh37 (hg19) VCF-style: chr9-135771847-C-T.
Other names: c.3267G>A, p.Met1089Ile (NM_001162426.2, NM_001406597.1, NM_001406598.1 and 2 more transcripts); c.3117G>A, p.Met1039Ile (NM_001162427.2, NM_001406610.1); c.2907G>A, p.Met969Ile (NM_001362177.2, NM_001406614.1, NM_001406615.1 and 4 more transcripts); c.3270G>A, p.Met1090Ile (NM_001406592.1, NM_001406593.1, NM_001406594.1 and 2 more transcripts); c.3255G>A, p.Met1085Ile (NM_001406601.1, NM_001406602.1); c.3252G>A, p.Met1084Ile (NM_001406603.1, NM_001406604.1); c.3228G>A, p.Met1076Ile (NM_001406605.1, NM_001406606.1, NM_001406607.1); c.3225G>A, p.Met1075Ile (NM_001406608.1, NM_001406609.1); and 8 more; short protein forms M1084I, M1089I, M1024I, M1075I, M1085I, M955I, M1039I, M739I.
Identifiers: ClinVar variation 3462451 (VCV003462451.1).